The following is an entry in ClinVar:

NM_001368894.2(PAX6):c.1031C>T (p.Pro344Leu)

Gene: PAX6 (paired box 6; minus strand). Cytogenetic location: 11p13.
Variant type: single nucleotide variant.
Coding change: c.1031C>T on transcript NM_001368894.2 (MANE Select); coding-DNA position 1031, C replaced by T.
Protein change: p.Pro344Leu; replaces proline 344 with leucine.
Molecular consequence: missense variant. On other transcripts: non-coding transcript variant (2).
Genome position (GRCh38, 1-based): chr11:31,793,481, G>A on the plus strand (C>T on the coding strand, the complement: PAX6 is on the minus strand). VCF-style: chr11-31793481-G-A. GRCh37 (hg19) VCF-style: chr11-31815029-G-A.
Other names: c.989C>T, p.Pro330Leu (NM_000280.6, NM_001127612.3, NM_001258464.2 and 10 more transcripts); c.1031C>T, p.Pro344Leu (NM_001258462.3, NM_001258463.2, NM_001310158.2 and 6 more transcripts); c.581C>T, p.Pro194Leu (NM_001310160.2, NM_001310161.3, NM_001368899.2 and 11 more transcripts); c.1232C>T, p.Pro411Leu (NM_001368910.2); c.1034C>T, p.Pro345Leu (NM_001368911.2); c.1106C>T, p.Pro369Leu (NM_001368918.2, NM_001368919.2); c.1064C>T, p.Pro355Leu (NM_001368920.2); c.830C>T, p.Pro277Leu (NM_001368921.2, NM_001368922.2, NM_001368923.2 and 4 more transcripts); and 2 more; short protein forms P330L, P345L, P129L, P194L, P263L, P277L, P344L, P411L.
Identifiers: ClinVar variation 2936372 (VCV002936372.4), dbSNP rs755528147, ClinGen allele CA5933748.

ClinVar aggregate classification (germline): Uncertain significance. Review status: criteria provided, multiple submitters, no conflicts (2 of 4 stars). 2 submissions from 2 submitters: Uncertain significance (2). Last evaluated 2024-11-07.

Conditions:
Aniridia 1 (AN1). Identifiers: Orphanet 250923, MedGen C0344542, MONDO:0024507, OMIM 106210.
Irido-corneo-trabecular dysgenesis (ASGD5). Also called: ANTERIOR SEGMENT DYSGENESIS 5. Identifiers: Orphanet 708, MedGen C0344559, MONDO:0011414, OMIM 604229, HP:0000659.

Allele frequency attached by ClinVar (database versions not stated): gnomAD exomes below 0.00001; TOPMed below 0.00001; ExAC 0.00001; gnomAD 0.00002.
gnomAD v4.1: 9 of 1,614,126 alleles (0.00056%); highest among the groups gnomAD compares: African/African-American, 0.0053%; no homozygotes.

Submissions (2):

Athena Diagnostics
Classification: Uncertain significance. Last evaluated: 2024-11-07. Review status: criteria provided, single submitter. Criteria: Athena Diagnostics Criteria. Collection method: clinical testing. Allele origin: unknown.
Comment: Available data are insufficient to determine the clinical significance of the variant at this time. The frequency of this variant in the general population is uninformative in assessment of its pathogenicity. This variant has been seen where an alternate explanation for disease was also identified, suggesting this variant may not cause disease. Polyphen and MutationTaster predict this amino acid change may be damaging to the protein.

Labcorp Genetics (formerly Invitae), Labcorp
Classification: Uncertain significance for Aniridia 1; Irido-corneo-trabecular dysgenesis. Last evaluated: 2023-04-07. Review status: criteria provided, single submitter. Criteria: Invitae Variant Classification Sherloc (09022015). Collection method: clinical testing. Allele origin: germline.
Comment: This sequence change replaces proline, which is neutral and non-polar, with leucine, which is neutral and non-polar, at codon 330 of the PAX6 protein (p.Pro330Leu). This variant is present in population databases (rs755528147, gnomAD 0.008%). This variant has not been reported in the literature in individuals affected with PAX6-related conditions. Advanced modeling of protein sequence and biophysical properties (such as structural, functional, and spatial information, amino acid conservation, physicochemical variation, residue mobility, and thermodynamic stability) performed at Invitae indicates that this missense variant is not expected to disrupt PAX6 protein function. In summary, the available evidence is currently insufficient to determine the role of this variant in disease. Therefore, it has been classified as a Variant of Uncertain Significance.